The following is an entry in ClinVar:

NM_014851.4(KLHL21):c.123G>A (p.Ala41=)

Gene: KLHL21 (kelch like family member 21; minus strand). Cytogenetic location: 1p36.31.
Variant type: single nucleotide variant.
Coding change: c.123G>A on transcript NM_014851.4 (MANE Select); coding-DNA position 123, G replaced by A.
Protein change: p.Ala41=; no amino-acid change (alanine 41 retained).
Molecular consequence: synonymous variant.
Genome position (GRCh38, 1-based): chr1:6,602,695, C>T on the plus strand (G>A on the coding strand, the complement: KLHL21 is on the minus strand). VCF-style: chr1-6602695-C-T. GRCh37 (hg19) VCF-style: chr1-6662755-C-T.
Other names: c.123G>A, p.Ala41= (NM_001324309.2).
Identifiers: ClinVar variation 3041121 (VCV003041121.2), dbSNP rs575418153, ClinGen allele CA564537.
Genomic context (GRCh38, chr1:6,602,695, plus strand): 5'-GAAGTAGGGGCTGGCGGCGGCCAGCACCGCACGGTGCGCCGGGAAGTCGCGCCCGCCCGC[C>T]GCCTCCAGGGTCACGTCCAGGAACTTGCGCTCGGCGCGCAGCTGGCTCAGGCCGCGCAGC-3'
Protein context (NP_055666.2, residues 31-51): ERKFLDVTLE[Ala41=]AGGRDFPAHR

ClinVar aggregate classification (germline): Likely benign (0 of 4 stars; one submission).

Conditions:
KLHL21-related disorder. Also called: KLHL21-related condition.

Allele frequency attached by ClinVar (database versions not stated): 1000 Genomes Project 0.00040; 1000 Genomes Project 30x 0.00109.
gnomAD v4.1: 296 of 1,513,518 alleles (0.02%); highest among the groups gnomAD compares: Admixed American, 0.1%; no homozygotes.

Submission:

PreventionGenetics, part of Exact Sciences
Classification: Likely benign for KLHL21-related condition. Last evaluated: 2019-09-17. Review status: no assertion criteria provided. Collection method: clinical testing. Allele origin: germline.
Comment: This variant is classified as likely benign based on ACMG/AMP sequence variant interpretation guidelines (Richards et al. 2015 PMID: 25741868, with internal and published modifications).